The following is an entry in ClinVar:

ClinVar aggregate classification (germline): Uncertain significance. Review status: criteria provided, multiple submitters, no conflicts (2 of 4 stars). 3 submissions from 3 submitters: Uncertain significance (3). Last evaluated 2024-07-01.

Conditions:
Neuronopathy, distal hereditary motor, type 7B. Also called: HMN VIIB; LOWER MOTOR NEURON DISEASE, DYNACTIN TYPE; Distal Hereditary Motor Neuronopathy Type 7B (dHMN7B); NEURONOPATHY, DISTAL HEREDITARY MOTOR, AUTOSOMAL DOMINANT 14; NEURONOPATHY, DISTAL HEREDITARY MOTOR, HARDING TYPE VIIB; NEUROPATHY, DISTAL HEREDITARY MOTOR, HARDING TYPE VIIB. Identifiers: Orphanet 139589, MedGen C1843315, MONDO:0011879, OMIM 607641.
Perry syndrome. Also called: PARKINSONISM WITH ALVEOLAR HYPOVENTILATION AND MENTAL DEPRESSION. Identifiers: Orphanet 178509, MedGen C1868594, MONDO:0008201, OMIM 168605.
Amyotrophic lateral sclerosis type 1 (ALS1). Also called: AMYOTROPHIC LATERAL SCLEROSIS 1, FAMILIAL. Identifiers: Orphanet 803, MedGen C1862939, MONDO:0007103, OMIM 105400.

Allele frequency attached by ClinVar (database versions not stated): gnomAD 0.00001; gnomAD exomes 0.00001; TOPMed 0.00001; ExAC 0.00002.
gnomAD v4.1: 23 of 1,607,914 alleles (0.0014%); highest among the groups gnomAD compares: African/African-American, 0.004%; no homozygotes.

Submissions (3):

CeGaT Center for Human Genetics Tuebingen
Classification: Uncertain significance. Last evaluated: 2024-07-01. Review status: criteria provided, single submitter. Criteria: CeGaT Center For Human Genetics Tuebingen Variant Classification Criteria Version 2. Collection method: clinical testing. Allele origin: germline. Affected: yes. Observed: 1 variant allele.
Comment: DCTN1: PM2, BP4

Labcorp Genetics (formerly Invitae), Labcorp
Classification: Uncertain significance for Amyotrophic lateral sclerosis type 1; Neuronopathy, distal hereditary motor, type 7B; Perry syndrome. Last evaluated: 2024-05-21. Review status: criteria provided, single submitter. Criteria: Invitae Variant Classification Sherloc (09022015). Collection method: clinical testing. Allele origin: germline.
Comment: This sequence change replaces glycine, which is neutral and non-polar, with serine, which is neutral and polar, at codon 15 of the DCTN1 protein (p.Gly15Ser). This variant is present in population databases (rs72466482, gnomAD 0.007%). This variant has not been reported in the literature in individuals affected with DCTN1-related conditions. ClinVar contains an entry for this variant (Variation ID: 1058262). Algorithms developed to predict the effect of missense changes on protein structure and function output the following: SIFT: "Not Available"; PolyPhen-2: "Benign"; Align-GVGD: "Not Available". The serine amino acid residue is found in multiple mammalian species, which suggests that this missense change does not adversely affect protein function. In summary, the available evidence is currently insufficient to determine the role of this variant in disease. Therefore, it has been classified as a Variant of Uncertain Significance.

Fulgent Genetics
Classification: Uncertain significance for Amyotrophic lateral sclerosis type 1; Perry syndrome; Neuronopathy, distal hereditary motor, type 7B. Last evaluated: 2021-11-04. Review status: criteria provided, single submitter. Criteria: ACMG Guidelines, 2015. Collection method: clinical testing. Allele origin: unknown.

NM_004082.5(DCTN1):c.43G>A (p.Gly15Ser)

Gene: DCTN1 (dynactin subunit 1; minus strand). Cytogenetic location: 2p13.1.
Variant type: single nucleotide variant.
Coding change: c.43G>A on transcript NM_004082.5 (MANE Select); coding-DNA position 43, G replaced by A.
Protein change: p.Gly15Ser; replaces glycine 15 with serine.
Molecular consequence: missense variant. On other transcripts: 5 prime UTR variant (3), non-coding transcript variant (1).
Genome position (GRCh38, 1-based): chr2:74,378,236, C>T on the plus strand (G>A on the coding strand, the complement: DCTN1 is on the minus strand). VCF-style: chr2-74378236-C-T. GRCh37 (hg19) VCF-style: chr2-74605363-C-T.
Other names: c.43G>A, p.Gly15Ser (NM_001135040.3, NM_001190837.2); c.-9G>A (NM_001190836.2, NM_001378991.1, NM_001378992.1); short protein forms G15S.
Identifiers: ClinVar variation 1058262 (VCV001058262.27), dbSNP rs72466482, ClinGen allele CA1722616.